The following is an entry in ClinVar:

NM_003193.5(TBCE):c.371+2T>A

Gene: TBCE (tubulin folding cofactor E; plus strand). Cytogenetic location: 1q42.3.
Variant type: single nucleotide variant.
Coding change: c.371+2T>A on transcript NM_003193.5 (MANE Select); the canonical splice donor site of the intron after coding-DNA position 371, T replaced by A.
Molecular consequence: splice donor variant.
Genome position (GRCh38, 1-based): chr1:235,414,620, T>A. VCF-style: chr1-235414620-T-A. GRCh37 (hg19) VCF-style: chr1-235577935-T-A.
Other names: c.371+2T>A (NM_001079515.3, NM_001287801.2); c.-25+2T>A (NM_001287802.2).
Identifiers: ClinVar variation 2758202 (VCV002758202.3), dbSNP rs1680011412, ClinGen allele CA344924369.

ClinVar aggregate classification (germline): Likely pathogenic (1 of 4 stars; one submission).

Allele frequency attached by ClinVar (database versions not stated): TOPMed below 0.00001.

Submission:

Labcorp Genetics (formerly Invitae), Labcorp
Classification: Likely pathogenic. Last evaluated: 2023-09-05. Review status: criteria provided, single submitter. Criteria: Invitae Variant Classification Sherloc (09022015). Collection method: clinical testing. Allele origin: germline.
Comment: In summary, the currently available evidence indicates that the variant is pathogenic, but additional data are needed to prove that conclusively. Therefore, this variant has been classified as Likely Pathogenic. Algorithms developed to predict the effect of sequence changes on RNA splicing suggest that this variant may disrupt the consensus splice site. This variant has not been reported in the literature in individuals affected with TBCE-related conditions. This variant is not present in population databases (gnomAD no frequency). This sequence change affects a donor splice site in intron 4 of the TBCE gene. It is expected to disrupt RNA splicing. Variants that disrupt the donor or acceptor splice site typically lead to a loss of protein function (PMID: 16199547), and loss-of-function variants in TBCE are known to be pathogenic (PMID: 27666369, 34134906, 34356170).

Literature cited by the submitters: PubMed 16199547; PubMed 27666369; PubMed 34134906; PubMed 34356170.